The following is an entry in ClinVar:

ClinVar aggregate classification (germline): Uncertain significance. Review status: criteria provided, multiple submitters, no conflicts (2 of 4 stars). 2 submissions from 2 submitters: Uncertain significance (2). Last evaluated 2025-08-15.

Conditions:
Hereditary breast ovarian cancer syndrome. Also called: Hereditary breast and ovarian cancer syndrome; Hereditary breast and ovarian cancer syndrome (HBOC); BRCA1- and BRCA2-Associated Hereditary Breast and Ovarian Cancer; Hereditary breast and ovarian cancer; Breast and ovarian cancer; Hereditary breast and/or ovarian cancer syndrome. Identifiers: Orphanet 145, MedGen C0677776, MeSH D061325, MONDO:0003582. Disease mechanism: loss of function.
Hereditary cancer-predisposing syndrome. Also called: Neoplastic Syndromes, Hereditary; Tumor predisposition; Hereditary Cancer Syndrome; Hereditary neoplastic syndrome. Identifiers: Orphanet 140162, MedGen C0027672, MeSH D009386, MONDO:0015356.

gnomAD v4.1: 1 of 1,614,108 alleles (0.000062%); highest among the groups gnomAD compares: Non-Finnish European, 0.000085%; no homozygotes.

Submissions (2):

Ambry Genetics
Classification: Uncertain significance for Hereditary cancer-predisposing syndrome. Last evaluated: 2025-08-15. Review status: criteria provided, single submitter. Criteria: Ambry Variant Classification Scheme 2023. Collection method: clinical testing. Allele origin: germline.
Comment: The p.T2891K variant (also known as c.8672C>A), located in coding exon 20 of the BRCA2 gene, results from a C to A substitution at nucleotide position 8672. The threonine at codon 2891 is replaced by lysine, an amino acid with similar properties. This amino acid position is highly conserved in available vertebrate species. In addition, the in silico prediction for this alteration is inconclusive. Based on the available evidence, the clinical significance of this variant remains unclear.

Labcorp Genetics (formerly Invitae), Labcorp
Classification: Uncertain significance for Hereditary breast ovarian cancer syndrome. Last evaluated: 2024-09-30. Review status: criteria provided, single submitter. Criteria: Invitae Variant Classification Sherloc (09022015). Collection method: clinical testing. Allele origin: germline.
Comment: This sequence change replaces threonine, which is neutral and polar, with lysine, which is basic and polar, at codon 2891 of the BRCA2 protein (p.Thr2891Lys). This variant is not present in population databases (gnomAD no frequency). This variant has not been reported in the literature in individuals affected with BRCA2-related conditions. Invitae Evidence Modeling of protein sequence and biophysical properties (such as structural, functional, and spatial information, amino acid conservation, physicochemical variation, residue mobility, and thermodynamic stability) indicates that this missense variant is not expected to disrupt BRCA2 protein function with a negative predictive value of 95%. In summary, the available evidence is currently insufficient to determine the role of this variant in disease. Therefore, it has been classified as a Variant of Uncertain Significance.

NM_000059.4(BRCA2):c.8672C>A (p.Thr2891Lys)

Gene: BRCA2 (BRCA2 DNA repair associated; plus strand). Cytogenetic location: 13q13.1.
Variant type: single nucleotide variant.
Coding change: c.8672C>A on transcript NM_000059.4 (MANE Select); coding-DNA position 8672, C replaced by A.
Protein change: p.Thr2891Lys; replaces threonine 2891 with lysine.
Molecular consequence: missense variant. On other transcripts: non-coding transcript variant (1).
Genome position (GRCh38, 1-based): chr13:32,376,709, C>A. VCF-style: chr13-32376709-C-A. GRCh37 (hg19) VCF-style: chr13-32950846-C-A.
Other names: c.8576C>A, p.Thr2859Lys (NM_001406719.1); c.8672C>A, p.Thr2891Lys (NM_001406720.1, NM_001432077.1); c.3740C>A, p.Thr1247Lys (NM_001406721.1); c.2255C>A, p.Thr752Lys (NM_001406722.1); short protein forms T2859K, T2891K, T1247K, T752K.
Identifiers: ClinVar variation 3636543 (VCV003636543.3).